The following is an entry in ClinVar:

NM_003923.3(FOXH1):c.889C>T (p.Pro297Ser)

Gene: FOXH1 (forkhead box H1; minus strand). Cytogenetic location: 8q24.3.
Variant type: single nucleotide variant.
Coding change: c.889C>T on transcript NM_003923.3 (MANE Select); coding-DNA position 889, C replaced by T.
Protein change: p.Pro297Ser; replaces proline 297 with serine.
Molecular consequence: missense variant.
Genome position (GRCh38, 1-based): chr8:144,474,447, G>A on the plus strand (C>T on the coding strand, the complement: FOXH1 is on the minus strand). VCF-style: chr8-144474447-G-A. GRCh37 (hg19) VCF-style: chr8-145699830-G-A.
Other names: short protein forms P297S.
Identifiers: ClinVar variation 1442540 (VCV001442540.6), dbSNP rs1341732331, ClinGen allele CA372723355.

ClinVar aggregate classification (germline): Uncertain significance (1 of 4 stars; one submission).

Conditions:
Holoprosencephaly sequence (HPE). Also called: Holoprosencephaly. Identifiers: Orphanet 2162, MedGen C0079541, MONDO:0016296, HP:0001360.

Allele frequency attached by ClinVar (database versions not stated): gnomAD exomes below 0.00001 and 0.00001.

Submission:

Labcorp Genetics (formerly Invitae), Labcorp
Classification: Uncertain significance for Holoprosencephaly sequence. Last evaluated: 2022-09-06. Review status: criteria provided, single submitter. Criteria: Invitae Variant Classification Sherloc (09022015). Collection method: clinical testing. Allele origin: germline.
Comment: This variant has not been reported in the literature in individuals affected with FOXH1-related conditions. This variant is present in population databases (no rsID available, gnomAD 0.006%). This sequence change replaces proline, which is neutral and non-polar, with serine, which is neutral and polar, at codon 297 of the FOXH1 protein (p.Pro297Ser). ClinVar contains an entry for this variant (Variation ID: 1442540). In summary, the available evidence is currently insufficient to determine the role of this variant in disease. Therefore, it has been classified as a Variant of Uncertain Significance. Algorithms developed to predict the effect of missense changes on protein structure and function output the following: SIFT: "Tolerated"; PolyPhen-2: "Benign"; Align-GVGD: "Class C0". The serine amino acid residue is found in multiple mammalian species, which suggests that this missense change does not adversely affect protein function.